The following is an entry in ClinVar:

NM_006514.4(SCN10A):c.883+1G>A

Gene: SCN10A (sodium voltage-gated channel alpha subunit 10; minus strand). Cytogenetic location: 3p22.2.
Variant type: single nucleotide variant.
Coding change: c.883+1G>A on transcript NM_006514.4 (MANE Select); the canonical splice donor site of the intron after coding-DNA position 883, G replaced by A.
Molecular consequence: splice donor variant.
Genome position (GRCh38, 1-based): chr3:38,761,191, C>T on the plus strand (G>A on the coding strand, the complement: SCN10A is on the minus strand). VCF-style: chr3-38761191-C-T. GRCh37 (hg19) VCF-style: chr3-38802682-C-T.
Other names: c.883+1G>A (NM_001293307.2, NM_001293306.2, NM_006514.2).
Identifiers: ClinVar variation 1438396 (VCV001438396.5), dbSNP rs757136675, ClinGen allele CA2321056.

ClinVar aggregate classification (germline): Conflicting classifications of pathogenicity. Review status: criteria provided, conflicting classifications (1 of 4 stars). 3 submissions from 3 submitters: Uncertain significance (2); Likely benign (1). Last evaluated 2025-06-03.

Conditions:
Cardiovascular phenotype. Identifiers: MedGen CN230736.
Brugada syndrome. Also called: Sudden unexplained nocturnal death syndrome; Sudden unexpected nocturnal death syndrome; Sudden Unexplained Death Syndrome; Sudden Unexplained Nocturnal Death Syndrome (SUNDS). Identifiers: Orphanet 130, MedGen C1142166, MONDO:0015263.

Allele frequency attached by ClinVar (database versions not stated): TOPMed below 0.00001; gnomAD 0.00001; ExAC 0.00002; gnomAD exomes 0.00002.
gnomAD v4.1: 28 of 1,600,814 alleles (0.0017%); highest among the groups gnomAD compares: East Asian, 0.036%; no homozygotes.

Submissions (3):

GeneDx
Classification: Uncertain significance. Last evaluated: 2025-06-03. Review status: criteria provided, single submitter. Criteria: GeneDx Variant Classification Process June 2021. Collection method: clinical testing. Allele origin: germline. Affected: yes.
Comment: Canonical splice site variant with an unclear effect on protein function; Has not been previously published as pathogenic or benign to our knowledge

Ambry Genetics
Classification: Likely benign for Cardiovascular phenotype. Last evaluated: 2024-04-01. Review status: criteria provided, single submitter. Criteria: Ambry Variant Classification Scheme 2023. Collection method: clinical testing. Allele origin: germline.

Labcorp Genetics (formerly Invitae), Labcorp
Classification: Uncertain significance for Brugada syndrome. Last evaluated: 2022-03-23. Review status: criteria provided, single submitter. Criteria: Invitae Variant Classification Sherloc (09022015). Collection method: clinical testing. Allele origin: germline.
Comment: This sequence change affects a donor splice site in intron 6 of the SCN10A gene. It is expected to disrupt RNA splicing. Variants that disrupt the donor or acceptor splice site typically lead to a loss of protein function (PMID: 16199547), however the current clinical and genetic evidence is not sufficient to establish whether loss-of-function variants in SCN10A cause disease. This variant is present in population databases (rs757136675, gnomAD 0.03%). This variant has not been reported in the literature in individuals affected with SCN10A-related conditions. Algorithms developed to predict the effect of sequence changes on RNA splicing suggest that this variant may disrupt the consensus splice site. In summary, the available evidence is currently insufficient to determine the role of this variant in disease. Therefore, it has been classified as a Variant of Uncertain Significance.

Literature cited by the submitters: PubMed 16199547 (cited by Labcorp Genetics (formerly Invitae), Labcorp).